The following is an entry in ClinVar:

ClinVar aggregate classification (germline): Uncertain significance (1 of 4 stars; one submission).

Submission:

Labcorp Genetics (formerly Invitae), Labcorp
Classification: Uncertain significance. Last evaluated: 2024-12-20. Review status: criteria provided, single submitter. Criteria: Invitae Variant Classification Sherloc (09022015). Collection method: clinical testing. Allele origin: germline.
Comment: This sequence change replaces serine, which is neutral and polar, with tyrosine, which is neutral and polar, at codon 441 of the ADNP protein (p.Ser441Tyr). This variant is not present in population databases (gnomAD no frequency). This variant has not been reported in the literature in individuals affected with ADNP-related conditions. An algorithm developed to predict the effect of missense changes on protein structure and function (PolyPhen-2) suggests that this variant is likely to be disruptive. In summary, the available evidence is currently insufficient to determine the role of this variant in disease. Therefore, it has been classified as a Variant of Uncertain Significance.

NM_001282531.3(ADNP):c.1322C>A (p.Ser441Tyr)

Gene: ADNP (activity dependent neuroprotector homeobox; minus strand). Cytogenetic location: 20q13.13.
Variant type: single nucleotide variant.
Coding change: c.1322C>A on transcript NM_001282531.3 (MANE Select); coding-DNA position 1322, C replaced by A.
Protein change: p.Ser441Tyr; replaces serine 441 with tyrosine.
Molecular consequence: missense variant.
Genome position (GRCh38, 1-based): chr20:50,893,392, G>T on the plus strand (C>A on the coding strand, the complement: ADNP is on the minus strand). VCF-style: chr20-50893392-G-T. GRCh37 (hg19) VCF-style: chr20-49509929-G-T.
Other names: c.1322C>A, p.Ser441Tyr (NM_001282532.2, NM_001347511.2, NM_015339.5 and 1 more transcripts); short protein forms S441Y.
Identifiers: ClinVar variation 3727513 (VCV003727513.2).
Genomic context (GRCh38, chr20:50,893,392, plus strand): 5'-TAGACATTTTCAGGAAAAAGCTCATTACAGATTGTACATATTTTCCACTTTTGAGTTGAG[G>T]AAGTGTTACCTGGGGGAGGGCCTGTGGCAGCTGCAGCAGGTTTGGAACTGGACTGACCTA-3'
Protein context (NP_001269460.1, residues 431-451): AATGPPPGNT[Ser441Tyr]STQKWKICTI